The following is an entry in ClinVar:

NM_001369.3(DNAH5):c.11317_11318insTACCGCCTGACAA (p.Gly3773fs)

Genes: DNAH5 (dynein axonemal heavy chain 5; minus strand), LOC107457585 (meiotic recombination hotspot J; plus strand). Cytogenetic location: 5p15.2.
Variant type: Insertion.
Coding change: c.11317_11318insTACCGCCTGACAA on transcript NM_001369.3 (MANE Select); coding-DNA positions 11317 to 11318, TACCGCCTGACAA inserted.
Protein change: p.Gly3773fs; shifts the reading frame from glycine 3773.
Molecular consequence: frameshift variant.
Genome position: GRCh38 VCF-style: chr5-13737389-C-CTTGTCAGGCGGTA. GRCh37 (hg19) VCF-style: chr5-13737498-C-CTTGTCAGGCGGTA.
Other names: short protein forms G3773fs.
Identifiers: ClinVar variation 1397424 (VCV001397424.6), dbSNP rs2126620903, ClinGen allele CA2573138442.

ClinVar aggregate classification (germline): Pathogenic (1 of 4 stars; one submission).

Conditions:
Primary ciliary dyskinesia. Also called: Ciliary dyskinesia. Identifiers: Orphanet 244, MedGen C0008780, MONDO:0016575, HP:0012265.

Submission:

Labcorp Genetics (formerly Invitae), Labcorp
Classification: Pathogenic for Primary ciliary dyskinesia. Last evaluated: 2021-09-30. Review status: criteria provided, single submitter. Criteria: Invitae Variant Classification Sherloc (09022015). Collection method: clinical testing. Allele origin: germline.
Comment: For these reasons, this variant has been classified as Pathogenic. Algorithms developed to predict the effect of sequence changes on RNA splicing suggest that this variant may create or strengthen a splice site. This variant has not been reported in the literature in individuals affected with DNAH5-related conditions. This variant is not present in population databases (ExAC no frequency). This sequence change creates a premature translational stop signal (p.Gly3773Valfs*11) in the DNAH5 gene. It is expected to result in an absent or disrupted protein product. Loss-of-function variants in DNAH5 are known to be pathogenic (PMID: 11788826, 16627867).

Literature cited by the submitters: PubMed 11788826; PubMed 16627867.